The following is an entry in ClinVar:

NM_000192.3(TBX5):c.-648C>G

Genes: TBX5 (T-box transcription factor 5; minus strand), TBX5-AS1 (TBX5 antisense RNA 1; plus strand). Cytogenetic location: 12q24.21.
Variant type: single nucleotide variant.
Coding change: c.-648C>G on transcript NM_000192.3; 648 bases upstream of the start codon, C replaced by G.
Molecular consequence: 5 prime UTR variant.
Genome position (GRCh38, 1-based): chr12:114,408,423, G>C on the plus strand (C>G on the coding strand, the complement: TBX5 is on the minus strand). VCF-style: chr12-114408423-G-C. GRCh37 (hg19) VCF-style: chr12-114846228-G-C.
Identifiers: ClinVar variation 307322 (VCV000307322.7), dbSNP rs79465718, ClinGen allele CA10632090.

ClinVar aggregate classification (germline): Benign (1 of 4 stars; one submission).

Conditions:
Holt-Oram syndrome (HOS). Also called: TBX5-Related Holt-Oram Syndrome; Ventriculo-radial syndrome; Cardiac-limb syndrome; Heart-hand syndrome, type 1. Identifiers: Orphanet 392, MedGen C0265264, MONDO:0007732, OMIM 142900.

Allele frequency attached by ClinVar (database versions not stated): TOPMed 0.04707; 1000 Genomes Project 0.04054; gnomAD 0.04132 and 0.04439; 1000 Genomes Project 30x 0.04279; gnomAD exomes 0.00235.
gnomAD v4.1: 6,226 of 154,364 alleles (4%); highest among the groups gnomAD compares: African/African-American, 14%; 423 homozygotes.

Submission:

Illumina Laboratory Services, Illumina
Classification: Benign for Holt-Oram syndrome. Last evaluated: 2018-01-13. Review status: criteria provided, single submitter. Criteria: ICSL Variant Classification Criteria 13 December 2019. Collection method: clinical testing. Allele origin: germline.
Comment: This variant was observed in the ICSL laboratory as part of a predisposition screen in an ostensibly healthy population. It had not been previously curated by ICSL or reported in the Human Gene Mutation Database (HGMD: prior to June 1st, 2018), and was therefore a candidate for classification through an automated scoring system. Utilizing variant allele frequency, disease prevalence and penetrance estimates, and inheritance mode, an automated score was calculated to assess if this variant is too frequent to cause the disease. Based on the score and internal cut-off values, a variant classified as benign is not then subjected to further curation. The score for this variant resulted in a classification of benign for this disease.